The following is an entry in ClinVar:

NM_000368.5(TSC1):c.2087T>C (p.Leu696Pro)

Gene: TSC1 (TSC complex subunit 1; minus strand). Cytogenetic location: 9q34.13.
Variant type: single nucleotide variant.
Coding change: c.2087T>C on transcript NM_000368.5 (MANE Select); coding-DNA position 2087, T replaced by C.
Protein change: p.Leu696Pro; replaces leucine 696 with proline.
Molecular consequence: missense variant. On other transcripts: non-coding transcript variant (4).
Genome position (GRCh38, 1-based): chr9:132,903,772, A>G on the plus strand (T>C on the coding strand, the complement: TSC1 is on the minus strand). VCF-style: chr9-132903772-A-G. GRCh37 (hg19) VCF-style: chr9-135779159-A-G.
Other names: c.2084T>C, p.Leu695Pro (NM_001162426.2, NM_001406597.1, NM_001406598.1 and 4 more transcripts); c.1934T>C, p.Leu645Pro (NM_001162427.2, NM_001406610.1); c.1724T>C, p.Leu575Pro (NM_001362177.2, NM_001406614.1, NM_001406615.1 and 5 more transcripts); c.2087T>C, p.Leu696Pro (NM_001406592.1, NM_001406593.1, NM_001406594.1 and 5 more transcripts); c.2072T>C, p.Leu691Pro (NM_001406601.1, NM_001406602.1); c.2069T>C, p.Leu690Pro (NM_001406603.1, NM_001406604.1); c.1931T>C, p.Leu644Pro (NM_001406611.1, NM_001406612.1, NM_001406613.1); c.1721T>C, p.Leu574Pro (NM_001406620.1, NM_001406621.1, NM_001406622.1 and 2 more transcripts); and 3 more; short protein forms L345P, L574P, L644P, L690P, L691P, L575P, L645P, L696P.
Identifiers: ClinVar variation 2625206 (VCV002625206.2), dbSNP rs2131770978, ClinGen allele CA375361083.

ClinVar aggregate classification (germline): Uncertain significance (1 of 4 stars; one submission).

Conditions:
Hereditary cancer-predisposing syndrome. Also called: Tumor predisposition; Hereditary Cancer Syndrome; Hereditary neoplastic syndrome; Neoplastic Syndromes, Hereditary. Identifiers: Orphanet 140162, MedGen C0027672, MeSH D009386, MONDO:0015356.

Allele frequency attached by ClinVar (database versions not stated): gnomAD exomes below 0.00001.
gnomAD v4.1: 1 of 1,613,944 alleles (0.000062%); highest among the groups gnomAD compares: Non-Finnish European, 0.000085%; no homozygotes.

Submission:

Ambry Genetics
Classification: Uncertain significance for Hereditary cancer-predisposing syndrome. Last evaluated: 2023-08-11. Review status: criteria provided, single submitter. Criteria: Ambry Variant Classification Scheme 2023. Collection method: clinical testing. Allele origin: germline.
Comment: The p.L696P variant (also known as c.2087T>C), located in coding exon 15 of the TSC1 gene, results from a T to C substitution at nucleotide position 2087. The leucine at codon 696 is replaced by proline, an amino acid with similar properties. This amino acid position is conserved. In addition, this alteration is predicted to be deleterious by in silico analysis. Since supporting evidence is limited at this time, the clinical significance of this alteration remains unclear.